The following is an entry in ClinVar:

ClinVar aggregate classification (germline): Pathogenic. Review status: criteria provided, multiple submitters, no conflicts (2 of 4 stars). 4 submissions from 4 submitters: Pathogenic (4). Last evaluated 2024-02-23.

Conditions:
Junctional epidermolysis bullosa with pyloric atresia. Also called: Epidermolysis bullosa, junctional, with pyloric atresia and aplasia cutis congenita; Epidermolysis bullosa junctionalis with pyloric atresia; EPIDERMOLYSIS BULLOSA, JUNCTIONAL 5B, WITH PYLORIC ATRESIA; EB-PA-ACC; ITGB4-Related Epidermolysis Bullosa with Pyloric Atresia; ITGA6-Related Epidermolysis Bullosa with Pyloric Atresia. Identifiers: Orphanet 79403, MedGen C5676875, MONDO:0009183, OMIM 226730.
Epidermolysis bullosa, junctional 5A, intermediate. Also called: EPIDERMOLYSIS BULLOSA, JUNCTIONAL 5A, GENERALIZED INTERMEDIATE; EPIDERMOLYSIS BULLOSA, JUNCTIONAL 5A, NON-HERLITZ TYPE. Identifiers: MedGen C5676956, MONDO:0030768, OMIM 619816.

Submissions (4):

Fulgent Genetics
Classification: Pathogenic for Junctional epidermolysis bullosa with pyloric atresia; Epidermolysis bullosa, junctional 5A, intermediate. Last evaluated: 2024-02-23. Review status: criteria provided, single submitter. Criteria: ACMG Guidelines, 2015. Collection method: clinical testing. Allele origin: germline.

Labcorp Genetics (formerly Invitae), Labcorp
Classification: Pathogenic. Last evaluated: 2023-12-09. Review status: criteria provided, single submitter. Criteria: Invitae Variant Classification Sherloc (09022015). Collection method: clinical testing. Allele origin: germline.
Comment: This sequence change creates a premature translational stop signal (p.Asp1109Hisfs*24) in the ITGB4 gene. It is expected to result in an absent or disrupted protein product. Loss-of-function variants in ITGB4 are known to be pathogenic (PMID: 11328943, 16473856). This variant is not present in population databases (gnomAD no frequency). This premature translational stop signal has been observed in individual(s) with epidermolysis bullosa (PMID: 11251584, 26739954). This variant is also known as c.3321del11. ClinVar contains an entry for this variant (Variation ID: 1048067). Algorithms developed to predict the effect of sequence changes on RNA splicing suggest that this variant may disrupt the consensus splice site. For these reasons, this variant has been classified as Pathogenic.

GeneDx
Classification: Pathogenic. Last evaluated: 2021-04-07. Review status: criteria provided, single submitter. Criteria: GeneDx Variant Classification Process June 2021. Collection method: clinical testing. Allele origin: germline. Affected: yes.
Comment: Frameshift variant predicted to result in protein truncation or nonsense mediated decay in a gene for which loss-of-function is a known mechanism of disease; This variant is associated with the following publications: (PMID: 23013259, 26739954, 11251584)

Biomedical Innovation Departament, CIEMAT
Classification: Pathogenic for Epidermolysis bullosa junctionalis with pyloric atresia. Last evaluated: 2018-03-26. Review status: criteria provided, single submitter. Criteria: ACMG Guidelines, 2015. Collection method: research. Allele origin: germline. Affected: yes. Observed: 1 variant allele.

Literature cited by the submitters: PubMed 11328943 (cited by Labcorp Genetics (formerly Invitae), Labcorp); PubMed 16473856 (cited by Labcorp Genetics (formerly Invitae), Labcorp); PubMed 11251584 (cited by Labcorp Genetics (formerly Invitae), Labcorp); PubMed 26739954 (cited by Labcorp Genetics (formerly Invitae), Labcorp); PubMed 23013259 (cited by Biomedical Innovation Departament, CIEMAT).

NM_000213.5(ITGB4):c.3321_3331del (p.Asp1109fs)

Gene: ITGB4 (integrin subunit beta 4; plus strand). Cytogenetic location: 17q25.1.
Variant type: Deletion.
Coding change: c.3321_3331del on transcript NM_000213.5 (MANE Select); coding-DNA positions 3321 to 3331, 11 bases deleted (ACTGGACCGGA).
Protein change: p.Asp1109fs; shifts the reading frame from aspartic acid 1109.
Molecular consequence: frameshift variant.
Genome position (GRCh38, 1-based): chr17:75,750,115-75,750,125, ACTGGACCGGA deleted; deleting any 11 consecutive bases within chr17:75,750,113-75,750,125 gives the same sequence; the c. name uses the placement nearest the transcript's 3' end. VCF-style (leftmost placement, unchanged base first): chr17-75750112-TGAACTGGACCG-T. GRCh37 (hg19) VCF-style: chr17-73746193-TGAACTGGACCG-T.
Other names: c.3321_3331del11 (NM_000213.5); c.3321_3331delACTGGACCGGA, p.Asp1109Hisfs (NM_001005619.2); c.3321_3331del, p.Asp1109fs (NM_001005731.3, NM_001321123.2); short protein forms D1109fs.
Identifiers: ClinVar variation 1048067 (VCV001048067.8), dbSNP rs2061333185, ClinGen allele CA986348380.